The following is an entry in ClinVar:

NM_015874.6(RBPJ):c.1284C>T (p.Thr428=)

Gene: RBPJ (recombination signal binding protein for immunoglobulin kappa J region; plus strand). Cytogenetic location: 4p15.2.
Variant type: single nucleotide variant.
Coding change: c.1284C>T on transcript NM_015874.6 (MANE Select); coding-DNA position 1284, C replaced by T.
Protein change: p.Thr428=; no amino-acid change (threonine 428 retained).
Molecular consequence: synonymous variant.
Genome position (GRCh38, 1-based): chr4:26,430,827, C>T. VCF-style: chr4-26430827-C-T. GRCh37 (hg19) VCF-style: chr4-26432449-C-T.
Other names: c.1218C>T, p.Thr406= (NM_001363577.2, NM_203283.5); c.1323C>T, p.Thr441= (NM_001374400.1, NM_005349.4); c.1281C>T, p.Thr427= (NM_001374401.1, NM_001374402.1, NM_001374403.1 and 3 more transcripts); c.1167C>T, p.Thr389= (NM_001379408.1); c.1122C>T, p.Thr374= (NM_001379409.1).
Identifiers: ClinVar variation 789470 (VCV000789470.42), dbSNP rs34869653, ClinGen allele CA2881529.

ClinVar aggregate classification (germline): Benign/Likely benign. Review status: criteria provided, multiple submitters, no conflicts (2 of 4 stars). 4 submissions from 4 submitters: Benign (2); Likely benign (2). Last evaluated 2026-07-01.

Allele frequency attached by ClinVar (database versions not stated): 1000 Genomes Project 30x 0.00359; 1000 Genomes Project 0.00419; TOPMed 0.00644; ESP Exome Variant Server 0.00707; gnomAD 0.00846 and 0.00849; ExAC 0.00945; gnomAD exomes 0.00985 and 0.01050.
gnomAD v4.1: 16,620 of 1,614,024 alleles (1%); highest among the groups gnomAD compares: Middle Eastern, 1.9%; 112 homozygotes.

Submissions (4):

CeGaT Center for Human Genetics Tuebingen
Classification: Benign. Last evaluated: 2026-07-01. Review status: criteria provided, single submitter. Criteria: CeGaT Center For Human Genetics Tuebingen Variant Classification Criteria Version 2. Collection method: clinical testing. Allele origin: germline. Affected: yes. Observed: 7 variant alleles.
Comment: RBPJ: BP4, BS1, BS2

Labcorp Genetics (formerly Invitae), Labcorp
Classification: Benign. Last evaluated: 2026-01-22. Review status: criteria provided, single submitter. Criteria: Invitae Variant Classification Sherloc (09022015). Collection method: clinical testing. Allele origin: germline.

GeneDx
Classification: Likely benign. Last evaluated: 2021-03-08. Review status: criteria provided, single submitter. Criteria: GeneDx Variant Classification Process June 2021. Collection method: clinical testing. Allele origin: germline. Affected: yes.

Breakthrough Genomics
Classification: Likely benign. Review status: criteria provided, single submitter. Criteria: ACMG Guidelines, 2015. Collection method: not provided. Allele origin: germline. Inheritance: Autosomal dominant inheritance. Affected: yes.